The following is an entry in ClinVar:

NM_000078.3(CETP):c.1375G>A (p.Asp459Asn)

Gene: CETP (cholesteryl ester transfer protein; plus strand). Cytogenetic location: 16q13.
Variant type: single nucleotide variant.
Coding change: c.1375G>A on transcript NM_000078.3 (MANE Select); coding-DNA position 1375, G replaced by A.
Protein change: p.Asp459Asn; replaces aspartic acid 459 with asparagine.
Molecular consequence: missense variant.
Genome position (GRCh38, 1-based): chr16:56,983,379, G>A. VCF-style: chr16-56983379-G-A. GRCh37 (hg19) VCF-style: chr16-57017291-G-A.
Other names: c.1195G>A, p.Asp399Asn (NM_001286085.2); short protein forms D459N, D399N.
Identifiers: ClinVar variation 4761690 (VCV004761690.1).

ClinVar aggregate classification (germline): Uncertain significance (1 of 4 stars; one submission).

gnomAD v4.1: 2 of 1,614,192 alleles (0.00012%); highest among the groups gnomAD compares: South Asian, 0.0011%; no homozygotes.

Submission:

Labcorp Genetics (formerly Invitae), Labcorp
Classification: Uncertain significance. Last evaluated: 2025-03-10. Review status: criteria provided, single submitter. Criteria: Invitae Variant Classification Sherloc (09022015). Collection method: clinical testing. Allele origin: germline.
Comment: This sequence change replaces aspartic acid, which is acidic and polar, with asparagine, which is neutral and polar, at codon 459 of the CETP protein (p.Asp459Asn). This variant is present in population databases (no rsID available, gnomAD 0.003%). This variant has not been reported in the literature in individuals affected with CETP-related conditions. Invitae Evidence Modeling of protein sequence and biophysical properties (such as structural, functional, and spatial information, amino acid conservation, physicochemical variation, residue mobility, and thermodynamic stability) indicates that this missense variant is not expected to disrupt CETP protein function with a negative predictive value of 80%. In summary, the available evidence is currently insufficient to determine the role of this variant in disease. Therefore, it has been classified as a Variant of Uncertain Significance.